The following is an entry in ClinVar:

ClinVar aggregate classification (germline): Uncertain significance (1 of 4 stars; one submission).

Conditions:
Leber congenital amaurosis 8 (LCA8). Identifiers: Orphanet 65, MedGen C3151202, MONDO:0013453, OMIM 613835.
Retinitis pigmentosa 12 (RP12). Also called: RP WITH OR WITHOUT PRESERVED PARAARTERIOLE RETINAL PIGMENT EPITHELIUM; RETINITIS PIGMENTOSA WITH OR WITHOUT PARAARTERIOLAR PRESERVATION OF RETINAL PIGMENT EPITHELIUM; RP WITH OR WITHOUT PPRPE. Identifiers: Orphanet 791, MedGen C1838647, MONDO:0010818, OMIM 600105.

Submission:

Labcorp Genetics (formerly Invitae), Labcorp
Classification: Uncertain significance for Leber congenital amaurosis 8; Retinitis pigmentosa 12. Last evaluated: 2025-01-30. Review status: criteria provided, single submitter. Criteria: Invitae Variant Classification Sherloc (09022015). Collection method: clinical testing. Allele origin: germline.
Comment: This sequence change replaces glycine, which is neutral and non-polar, with cysteine, which is neutral and slightly polar, at codon 845 of the CRB1 protein (p.Gly845Cys). This variant is present in population databases (no rsID available, gnomAD 0.0009%). This missense change has been observed in individual(s) with retinoschisis (internal data). In at least one individual the data is consistent with being in trans (on the opposite chromosome) from a pathogenic variant. Invitae Evidence Modeling of protein sequence and biophysical properties (such as structural, functional, and spatial information, amino acid conservation, physicochemical variation, residue mobility, and thermodynamic stability) has been performed for this missense variant. However, the output from this modeling did not meet the statistical confidence thresholds required to predict the impact of this variant on CRB1 protein function. In summary, the available evidence is currently insufficient to determine the role of this variant in disease. Therefore, it has been classified as a Variant of Uncertain Significance.

NM_201253.3(CRB1):c.2533G>T (p.Gly845Cys)

Gene: CRB1 (crumbs cell polarity complex component 1; plus strand). Cytogenetic location: 1q31.3.
Variant type: single nucleotide variant.
Coding change: c.2533G>T on transcript NM_201253.3 (MANE Select); coding-DNA position 2533, G replaced by T.
Protein change: p.Gly845Cys; replaces glycine 845 with cysteine.
Molecular consequence: missense variant. On other transcripts: non-coding transcript variant (2), intron variant (1).
Genome position (GRCh38, 1-based): chr1:197,427,858, G>T. VCF-style: chr1-197427858-G-T. GRCh37 (hg19) VCF-style: chr1-197396988-G-T.
Other names: c.2197G>T, p.Gly733Cys (NM_001193640.2); c.2326G>T, p.Gly776Cys (NM_001257965.2); c.2128+5902G>T (NM_001257966.2); short protein forms G733C, G776C, G845C.
Identifiers: ClinVar variation 4782427 (VCV004782427.1).